The following is an entry in ClinVar:

ClinVar aggregate classification (germline): Uncertain significance (1 of 4 stars; one submission).

Submission:

Labcorp Genetics (formerly Invitae), Labcorp
Classification: Uncertain significance. Last evaluated: 2024-04-10. Review status: criteria provided, single submitter. Criteria: Invitae Variant Classification Sherloc (09022015). Collection method: clinical testing. Allele origin: germline.
Comment: This sequence change replaces leucine, which is neutral and non-polar, with proline, which is neutral and non-polar, at codon 336 of the NANS protein (p.Leu336Pro). This variant is not present in population databases (gnomAD no frequency). This variant has not been reported in the literature in individuals affected with NANS-related conditions. ClinVar contains an entry for this variant (Variation ID: 2123960). An algorithm developed to predict the effect of missense changes on protein structure and function (PolyPhen-2) suggests that this variant is likely to be tolerated. In summary, the available evidence is currently insufficient to determine the role of this variant in disease. Therefore, it has been classified as a Variant of Uncertain Significance.

NM_018946.4(NANS):c.1007T>C (p.Leu336Pro)

Genes: NANS (N-acetylneuraminate synthase; plus strand), TRIM14 (tripartite motif containing 14; minus strand). Cytogenetic location: 9q22.33.
Variant type: single nucleotide variant.
Coding change: c.1007T>C on transcript NM_018946.4 (MANE Select); coding-DNA position 1007, T replaced by C.
Protein change: p.Leu336Pro; replaces leucine 336 with proline.
Molecular consequence: missense variant.
Genome position (GRCh38, 1-based): chr9:98,082,982, T>C. VCF-style: chr9-98082982-T-C. GRCh37 (hg19) VCF-style: chr9-100845264-T-C.
Other names: short protein forms L336P.
Identifiers: ClinVar variation 2123960 (VCV002123960.4), dbSNP rs1829955400, ClinGen allele CA374203954.